The following is an entry in ClinVar:

ClinVar aggregate classification (germline): Uncertain significance (1 of 4 stars; one submission).

Submission:

Labcorp Genetics (formerly Invitae), Labcorp
Classification: Uncertain significance. Last evaluated: 2022-06-20. Review status: criteria provided, single submitter. Criteria: Invitae Variant Classification Sherloc (09022015). Collection method: clinical testing. Allele origin: germline.
Comment: In summary, the available evidence is currently insufficient to determine the role of this variant in disease. Therefore, it has been classified as a Variant of Uncertain Significance. Advanced modeling of protein sequence and biophysical properties (such as structural, functional, and spatial information, amino acid conservation, physicochemical variation, residue mobility, and thermodynamic stability) performed at Invitae indicates that this missense variant is not expected to disrupt COL27A1 protein function. This variant has not been reported in the literature in individuals affected with COL27A1-related conditions. This variant is present in population databases (rs777646313, gnomAD 0.005%). This sequence change replaces threonine, which is neutral and polar, with arginine, which is basic and polar, at codon 1509 of the COL27A1 protein (p.Thr1509Arg).

NM_032888.4(COL27A1):c.4526C>G (p.Thr1509Arg)

Gene: COL27A1 (collagen type XXVII alpha 1 chain; plus strand). Cytogenetic location: 9q32.
Variant type: single nucleotide variant.
Coding change: c.4526C>G on transcript NM_032888.4 (MANE Select); coding-DNA position 4526, C replaced by G.
Protein change: p.Thr1509Arg; replaces threonine 1509 with arginine.
Molecular consequence: missense variant.
Genome position (GRCh38, 1-based): chr9:114,292,152, C>G. VCF-style: chr9-114292152-C-G. GRCh37 (hg19) VCF-style: chr9-117054432-C-G.
Other names: short protein forms T1509R.
Identifiers: ClinVar variation 1467971 (VCV001467971.8), dbSNP rs777646313, ClinGen allele CA5202968.